The following is an entry in ClinVar:

ClinVar aggregate classification (germline): Uncertain significance (1 of 4 stars; one submission).

Conditions:
Renal cell carcinoma. Identifiers: Orphanet 217071, MedGen C0007134, MeSH D002292, MONDO:0005086, HP:0005584.

Submission:

Labcorp Genetics (formerly Invitae), Labcorp
Classification: Uncertain significance for Renal cell carcinoma. Last evaluated: 2025-07-21. Review status: criteria provided, single submitter. Criteria: Invitae Variant Classification Sherloc (09022015). Collection method: clinical testing. Allele origin: germline.
Comment: This sequence change replaces leucine, which is neutral and non-polar, with proline, which is neutral and non-polar, at codon 768 of the MET protein (p.Leu768Pro). This variant is not present in population databases (gnomAD no frequency). This variant has not been reported in the literature in individuals affected with MET-related conditions. An algorithm developed to predict the effect of missense changes on protein structure and function outputs the following: PolyPhen-2: "Benign". The proline amino acid residue is found in multiple mammalian species, which suggests that this missense change does not adversely affect protein function. In summary, the available evidence is currently insufficient to determine the role of this variant in disease. Therefore, it has been classified as a Variant of Uncertain Significance.

NM_000245.4(MET):c.2265-16T>C

Gene: MET (MET proto-oncogene, receptor tyrosine kinase; plus strand). Cytogenetic location: 7q31.2.
Variant type: single nucleotide variant.
Coding change: c.2265-16T>C on transcript NM_000245.4 (MANE Select); 16 bases into the intron before coding-DNA position 2265, T replaced by C.
Molecular consequence: intron variant. On other transcripts: missense variant (1).
Genome position (GRCh38, 1-based): chr7:116,759,375, T>C. VCF-style: chr7-116759375-T-C. GRCh37 (hg19) VCF-style: chr7-116399429-T-C.
Other names: c.2303T>C, p.Leu768Pro (NM_001127500.3); c.975-16T>C (NM_001324402.2); c.2265-16T>C (NM_001324401.3); short protein forms L768P.
Identifiers: ClinVar variation 4723620 (VCV004723620.1).